The following is an entry in ClinVar:

NM_004787.4(SLIT2):c.1614-7T>C

Gene: SLIT2 (slit guidance ligand 2; plus strand). Cytogenetic location: 4p15.31.
Variant type: single nucleotide variant.
Coding change: c.1614-7T>C on transcript NM_004787.4 (MANE Select); 7 bases into the intron before coding-DNA position 1614, T replaced by C.
Molecular consequence: intron variant.
Genome position (GRCh38, 1-based): chr4:20,531,977, T>C. VCF-style: chr4-20531977-T-C. GRCh37 (hg19) VCF-style: chr4-20533600-T-C.
Other names: c.1602-7T>C (NM_001289135.3); c.1590-7T>C (NM_001289136.3); c.1614-7T>C (NM_004787.3).
Identifiers: ClinVar variation 2885931 (VCV002885931.4), dbSNP rs188610560, ClinGen allele CA2871556.

ClinVar aggregate classification (germline): Likely benign. Review status: criteria provided, multiple submitters, no conflicts (2 of 4 stars). 2 submissions from 2 submitters: Likely benign (2). Last evaluated 2024-10-02.

Conditions:
SLIT2-related disorder. Also called: SLIT2-related condition.

gnomAD v4.1: 18 of 1,546,022 alleles (0.0012%); highest among the groups gnomAD compares: African/African-American, 0.024%; no homozygotes.

Submissions (2):

PreventionGenetics, part of Exact Sciences
Classification: Likely benign for SLIT2-related condition. Last evaluated: 2024-10-02. Review status: criteria provided, single submitter. Criteria: ACMG Guidelines, 2015. Collection method: clinical testing. Allele origin: germline.
Comment: This variant is classified as likely benign based on ACMG/AMP sequence variant interpretation guidelines (Richards et al. 2015 PMID: 25741868, with internal and published modifications).

Labcorp Genetics (formerly Invitae), Labcorp
Classification: Likely benign. Last evaluated: 2024-01-22. Review status: criteria provided, single submitter. Criteria: Invitae Variant Classification Sherloc (09022015). Collection method: clinical testing. Allele origin: germline.